The following is an entry in ClinVar:

ClinVar aggregate classification (germline): Uncertain significance (1 of 4 stars; one submission).

Conditions:
Symmetrical dyschromatosis of extremities (DSH). Also called: DYSCHROMATOSIS SYMMETRICA HEREDITARIA 1; RETICULATE ACROPIGMENTATION OF DOHI; SYMMETRIC DYSCHROMATOSIS OF THE EXTREMITIES; Dyschromatosis symmetrica hereditaria. Identifiers: Orphanet 41, MedGen C0406775, MONDO:0007483, OMIM 127400.
Aicardi-Goutieres syndrome 6 (AGS6). Identifiers: Orphanet 51, MedGen C3539013, MONDO:0014007, OMIM 615010.

Allele frequency attached by ClinVar (database versions not stated): gnomAD exomes below 0.00001.
gnomAD v4.1: 1 of 1,614,162 alleles (0.000062%); highest among the groups gnomAD compares: Non-Finnish European, 0.000085%; no homozygotes.

Submission:

Labcorp Genetics (formerly Invitae), Labcorp
Classification: Uncertain significance for Aicardi-Goutieres syndrome 6; Symmetrical dyschromatosis of extremities. Last evaluated: 2022-04-28. Review status: criteria provided, single submitter. Criteria: Invitae Variant Classification Sherloc (09022015). Collection method: clinical testing. Allele origin: germline.
Comment: In summary, the available evidence is currently insufficient to determine the role of this variant in disease. Therefore, it has been classified as a Variant of Uncertain Significance. Algorithms developed to predict the effect of missense changes on protein structure and function output the following: SIFT: "Tolerated"; PolyPhen-2: "Benign"; Align-GVGD: "Class C0". The tyrosine amino acid residue is found in multiple mammalian species, which suggests that this missense change does not adversely affect protein function. This variant has not been reported in the literature in individuals affected with ADAR-related conditions. This variant is not present in population databases (gnomAD no frequency). This sequence change replaces cysteine, which is neutral and slightly polar, with tyrosine, which is neutral and polar, at codon 392 of the ADAR protein (p.Cys392Tyr).

NM_001111.5(ADAR):c.1175G>A (p.Cys392Tyr)

Gene: ADAR (adenosine deaminase RNA specific; minus strand). Cytogenetic location: 1q21.3.
Variant type: single nucleotide variant.
Coding change: c.1175G>A on transcript NM_001111.5 (MANE Select); coding-DNA position 1175, G replaced by A.
Protein change: p.Cys392Tyr; replaces cysteine 392 with tyrosine.
Molecular consequence: missense variant.
Genome position (GRCh38, 1-based): chr1:154,601,467, C>T on the plus strand (G>A on the coding strand, the complement: ADAR is on the minus strand). VCF-style: chr1-154601467-C-T. GRCh37 (hg19) VCF-style: chr1-154573943-C-T.
Other names: c.290G>A, p.Cys97Tyr (NM_001025107.3, NM_001193495.2, NM_001365046.1 and 3 more transcripts); c.1202G>A, p.Cys401Tyr (NM_001365045.1); c.1175G>A, p.Cys392Tyr (NM_015840.4, NM_015841.4); short protein forms C401Y, C97Y, C392Y.
Identifiers: ClinVar variation 2077572 (VCV002077572.4), dbSNP rs2526651938, ClinGen allele CA342597333.